The following is an entry in ClinVar:

ClinVar aggregate classification (germline): Uncertain significance (1 of 4 stars; one submission).

Conditions:
Congenital myasthenic syndrome 9. Also called: Myasthenic syndrome, congenital, 9, associated with acetylcholine receptor deficiency. Identifiers: Orphanet 590, MedGen C4225368, MONDO:0014587, OMIM 616325.
Fetal akinesia deformation sequence 1 (FADS1). Also called: Fetal akinesia sequence; Pena-Shokeir syndrome type I. Identifiers: Orphanet 994, MedGen C1276035, MONDO:0100101, OMIM 208150, HP:0001989.

Allele frequency attached by ClinVar (database versions not stated): gnomAD exomes below 0.00001.
gnomAD v4.1: 1 of 1,612,014 alleles (0.000062%); highest among the groups gnomAD compares: Middle Eastern, 0.017%; no homozygotes.

Submission:

Labcorp Genetics (formerly Invitae), Labcorp
Classification: Uncertain significance for Myasthenic syndrome, congenital, 9, associated with acetylcholine receptor deficiency; Pena-Shokeir syndrome type I. Last evaluated: 2019-10-23. Review status: criteria provided, single submitter. Criteria: Invitae Variant Classification Sherloc (09022015). Collection method: clinical testing. Allele origin: germline.
Comment: This sequence change affects codon 254 of the MUSK mRNA. It is a 'silent' change, meaning that it does not change the encoded amino acid sequence of the MUSK protein. This variant is not present in population databases (ExAC no frequency). This variant has not been reported in the literature in individuals with MUSK-related conditions. Algorithms developed to predict the effect of sequence changes on RNA splicing suggest that this variant may create or strengthen a splice site, but this prediction has not been confirmed by published transcriptional studies. In summary, the available evidence is currently insufficient to determine the role of this variant in disease. Therefore, it has been classified as a Variant of Uncertain Significance.

NM_005592.4(MUSK):c.762T>A (p.Ser254=)

Gene: MUSK (muscle associated receptor tyrosine kinase; plus strand). Cytogenetic location: 9q31.3.
Variant type: single nucleotide variant.
Coding change: c.762T>A on transcript NM_005592.4 (MANE Select); coding-DNA position 762, T replaced by A.
Protein change: p.Ser254=; no amino-acid change (serine 254 retained).
Molecular consequence: synonymous variant. On other transcripts: 5 prime UTR variant (1).
Genome position (GRCh38, 1-based): chr9:110,747,649, T>A. VCF-style: chr9-110747649-T-A. GRCh37 (hg19) VCF-style: chr9-113509929-T-A.
Other names: c.792T>A, p.Ser264= (NM_001166280.2); c.762T>A, p.Ser254= (NM_001166281.2); c.-475T>A (NM_001369398.1).
Identifiers: ClinVar variation 967680 (VCV000967680.1), dbSNP rs2077190189, ClinGen allele CA466818641.
Genomic context (GRCh38, chr9:110,747,649, plus strand): 5'-GTATAGTGGGAAATCCTTGACTGAGTTCTTTTATTTTCCTTTACTCTGTCAGGTTTCTTC[T>A]GGGTCCATTCAAGAGAGTGTGAAAGACCGAGTGATTGACTCAAGACTGCAGCTGTTTATC-3'
Protein context (NP_005583.1, residues 244-264): TWIENGNAVS[Ser254=]GSIQESVKDR